The following is an entry in ClinVar:

NM_001458.5(FLNC):c.6999C>T (p.Ala2333=)

Genes: FLNC (filamin C; plus strand), FLNC-AS1 (FLNC antisense RNA 1; minus strand). Cytogenetic location: 7q32.1.
Variant type: single nucleotide variant.
Coding change: c.6999C>T on transcript NM_001458.5 (MANE Select); coding-DNA position 6999, C replaced by T.
Protein change: p.Ala2333=; no amino-acid change (alanine 2333 retained).
Molecular consequence: synonymous variant.
Genome position (GRCh38, 1-based): chr7:128,854,776, C>T. VCF-style: chr7-128854776-C-T. GRCh37 (hg19) VCF-style: chr7-128494830-C-T.
Other names: c.6900C>T, p.Ala2300= (NM_001127487.2).
Identifiers: ClinVar variation 1085073 (VCV001085073.12), dbSNP rs201735453, ClinGen allele CA4476140.
Genomic context (GRCh38, chr7:128,854,776, plus strand): 5'-TCAGGGCAGCCAGTGTGAGGGGCGATGATGCTGAAGTCCACTACCTTGCCTGTCCCCAGC[C>T]GAGTTCAGCATCTGGACCCGGGAGGCTGGCGCTGGGGGCCTGTCCATTGCTGTGGAGGGT-3'
Protein context (NP_001449.3, residues 2323-2343): GLERGVAGVP[Ala2333=]EFSIWTREAG

ClinVar aggregate classification (germline): Likely benign. Review status: criteria provided, multiple submitters, no conflicts (2 of 4 stars). 3 submissions from 3 submitters: Likely benign (3). Last evaluated 2026-08-04.

Conditions:
FLNC-related disorder. Also called: FLNC-related condition; FLNC-related disorders.
Cardiovascular phenotype. Identifiers: MedGen CN230736.
Hypertrophic cardiomyopathy 26. Also called: Cardiomyopathy, familial hypertrophic, 26. Identifiers: Orphanet 75249, MedGen C4310749, MONDO:0014883, OMIM 617047.
Distal myopathy with posterior leg and anterior hand involvement. Also called: WILLIAMS DISTAL MYOPATHY. Identifiers: Orphanet 63273, MedGen C3279722, MONDO:0013550, OMIM 614065.
Myofibrillar myopathy 5. Also called: FILAMINOPATHY, AUTOSOMAL DOMINANT; Filaminopathy (type). Identifiers: Orphanet 171445, MedGen C1836050, MONDO:0012289, OMIM 609524.

Allele frequency attached by ClinVar (database versions not stated): gnomAD exomes 0.00001 and 0.00002; ExAC 0.00005; gnomAD 0.00006 and 0.00007; TOPMed 0.00006; ESP Exome Variant Server 0.00008; 1000 Genomes Project 30x 0.00016; 1000 Genomes Project 0.00020.
gnomAD v4.1: 28 of 1,614,094 alleles (0.0017%); highest among the groups gnomAD compares: African/African-American, 0.02%; no homozygotes.

Submissions (3):

PreventionGenetics, part of Exact Sciences
Classification: Likely benign for FLNC-related condition. Last evaluated: 2026-08-04. Review status: criteria provided, single submitter. Criteria: ACMG Guidelines, 2015. Collection method: clinical testing. Allele origin: germline.
Comment: This variant is classified as likely benign based on ACMG/AMP sequence variant interpretation guidelines (Richards et al. 2015 PMID: 25741868, with internal and published modifications).

Labcorp Genetics (formerly Invitae), Labcorp
Classification: Likely benign for Distal myopathy with posterior leg and anterior hand involvement; Myofibrillar myopathy 5; Hypertrophic cardiomyopathy 26. Last evaluated: 2026-01-12. Review status: criteria provided, single submitter. Criteria: Invitae Variant Classification Sherloc (09022015). Collection method: clinical testing. Allele origin: germline.

Ambry Genetics
Classification: Likely benign for Cardiovascular phenotype. Last evaluated: 2021-06-07. Review status: criteria provided, single submitter. Criteria: Ambry Variant Classification Scheme 2023. Collection method: clinical testing. Allele origin: germline.